The following is an entry in ClinVar:

NM_172364.5(CACNA2D4):c.375G>T (p.Lys125Asn)

Gene: CACNA2D4 (calcium voltage-gated channel auxiliary subunit alpha2delta 4; minus strand). Cytogenetic location: 12p13.33.
Variant type: single nucleotide variant.
Coding change: c.375G>T on transcript NM_172364.5 (MANE Select); coding-DNA position 375, G replaced by T.
Protein change: p.Lys125Asn; replaces lysine 125 with asparagine.
Molecular consequence: missense variant.
Genome position (GRCh38, 1-based): chr12:1,913,074, C>A on the plus strand (G>T on the coding strand, the complement: CACNA2D4 is on the minus strand). VCF-style: chr12-1913074-C-A. GRCh37 (hg19) VCF-style: chr12-2022240-C-A.
Other names: short protein forms K125N.
Identifiers: ClinVar variation 1371931 (VCV001371931.6), dbSNP rs369268682, ClinGen allele CA6387567.
Genomic context (GRCh38, chr12:1,913,074, plus strand): 5'-CTGGAGTACCTGGACCGCCTCGACTTTCCTCCGCAGCATGTTCTCCATGTCCTCTGAGAA[C>A]TTCCTCACCAGCTCCAAGCCATCCACCTCCTCGATCTTCAGACTGGACTCCACATCCTTG-3'
Protein context (NP_758952.4, residues 115-135): EEVDGLELVR[Lys125Asn]FSEDMENMLR

ClinVar aggregate classification (germline): Uncertain significance (1 of 4 stars; one submission).

Allele frequency attached by ClinVar (database versions not stated): ExAC 0.00002; gnomAD exomes 0.00002; gnomAD 0.00003 and 0.00004; ESP Exome Variant Server 0.00008.
gnomAD v4.1: 20 of 1,613,810 alleles (0.0012%); highest among the groups gnomAD compares: Admixed American, 0.005%; no homozygotes.

Submission:

Labcorp Genetics (formerly Invitae), Labcorp
Classification: Uncertain significance. Last evaluated: 2023-05-16. Review status: criteria provided, single submitter. Criteria: Invitae Variant Classification Sherloc (09022015). Collection method: clinical testing. Allele origin: germline.
Comment: An algorithm developed to predict the effect of missense changes on protein structure and function (PolyPhen-2) suggests that this variant is likely to be tolerated. ClinVar contains an entry for this variant (Variation ID: 1371931). This variant has not been reported in the literature in individuals affected with CACNA2D4-related conditions. This variant is present in population databases (rs369268682, gnomAD 0.006%). This sequence change replaces lysine, which is basic and polar, with asparagine, which is neutral and polar, at codon 125 of the CACNA2D4 protein (p.Lys125Asn). In summary, the available evidence is currently insufficient to determine the role of this variant in disease. Therefore, it has been classified as a Variant of Uncertain Significance.